The following is an entry in ClinVar:

NM_000051.4(ATM):c.3691_3692del (p.Leu1231fs)

Gene: ATM (ATM serine/threonine kinase; plus strand). Cytogenetic location: 11q22.3.
Variant type: Deletion.
Coding change: c.3691_3692del on transcript NM_000051.4 (MANE Select); coding-DNA positions 3691 to 3692, 2 bases deleted (TT; older notation c.3691_3692delTT).
Protein change: p.Leu1231fs; shifts the reading frame from leucine 1231.
Molecular consequence: frameshift variant.
Genome position (GRCh38, 1-based): chr11:108,282,824-108,282,825, TT deleted. VCF-style (leftmost placement, unchanged base first): chr11-108282823-CTT-C. GRCh37 (hg19) VCF-style: chr11-108153550-CTT-C.
Other names: c.3691_3692del, p.Leu1231fs (NM_001351834.2); short protein forms L1231fs.
Identifiers: ClinVar variation 2702909 (VCV002702909.4), dbSNP rs2546880098, ClinGen allele CA2697558854.

ClinVar aggregate classification (germline): Pathogenic. Review status: criteria provided, multiple submitters, no conflicts (2 of 4 stars). 2 submissions from 2 submitters: Pathogenic (2). Last evaluated 2025-12-12.

Conditions:
Ataxia-telangiectasia syndrome (AT). Also called: Cerebello-oculocutaneous telangiectasia; Immunodeficiency with ataxia telangiectasia; Ataxia-telangiectasia, complementation group E; LOUIS-BAR SYNDROME; Ataxia telangiectasia (A-T); AT, COMPLEMENTATION GROUP C. Identifiers: Orphanet 100, MedGen C0004135, MONDO:0008840, OMIM 208900.
Hereditary cancer-predisposing syndrome. Also called: Hereditary Cancer Syndrome; Hereditary neoplastic syndrome; Neoplastic Syndromes, Hereditary; Tumor predisposition. Identifiers: Orphanet 140162, MedGen C0027672, MeSH D009386, MONDO:0015356.

Submissions (2):

Ambry Genetics
Classification: Pathogenic for Hereditary cancer-predisposing syndrome. Last evaluated: 2025-12-12. Review status: criteria provided, single submitter. Criteria: Ambry Variant Classification Scheme 2023. Collection method: clinical testing. Allele origin: germline.
Comment: The c.3691_3692delTT pathogenic mutation, located in coding exon 24 of the ATM gene, results from a deletion of two nucleotides at nucleotide positions 3691 to 3692, causing a translational frameshift with a predicted alternate stop codon (p.L1231Ifs*14). This alteration is expected to result in loss of function by premature protein truncation or nonsense-mediated mRNA decay. As such, this alteration is interpreted as a disease-causing mutation.

Labcorp Genetics (formerly Invitae), Labcorp
Classification: Pathogenic for Ataxia-telangiectasia syndrome. Last evaluated: 2023-12-13. Review status: criteria provided, single submitter. Criteria: Invitae Variant Classification Sherloc (09022015). Collection method: clinical testing. Allele origin: germline.
Comment: This sequence change creates a premature translational stop signal (p.Leu1231Ilefs*14) in the ATM gene. It is expected to result in an absent or disrupted protein product. Loss-of-function variants in ATM are known to be pathogenic (PMID: 23807571, 25614872). This variant is not present in population databases (gnomAD no frequency). This variant has not been reported in the literature in individuals affected with ATM-related conditions. For these reasons, this variant has been classified as Pathogenic.

Literature cited by the submitters: PubMed 23807571 (cited by Labcorp Genetics (formerly Invitae), Labcorp); PubMed 25614872 (cited by Labcorp Genetics (formerly Invitae), Labcorp).